The following is an entry in ClinVar:

NM_001130823.3(DNMT1):c.1479C>G (p.Ile493Met)

Gene: DNMT1 (DNA methyltransferase 1; minus strand). Cytogenetic location: 19p13.2.
Variant type: single nucleotide variant.
Coding change: c.1479C>G on transcript NM_001130823.3 (MANE Select); coding-DNA position 1479, C replaced by G.
Protein change: p.Ile493Met; replaces isoleucine 493 with methionine.
Molecular consequence: missense variant.
Genome position (GRCh38, 1-based): chr19:10,155,866, G>C on the plus strand (C>G on the coding strand, the complement: DNMT1 is on the minus strand). VCF-style: chr19-10155866-G-C. GRCh37 (hg19) VCF-style: chr19-10266542-G-C.
Other names: c.1431C>G, p.Ile477Met (NM_001318730.2, NM_001379.4); c.1116C>G, p.Ile372Met (NM_001318731.2); short protein forms I372M, I493M, I477M.
Identifiers: ClinVar variation 2856245 (VCV002856245.3), dbSNP rs376715649, ClinGen allele CA305172796.

ClinVar aggregate classification (germline): Uncertain significance (1 of 4 stars; one submission).

Conditions:
Hereditary sensory neuropathy-deafness-dementia syndrome. Also called: NEUROPATHY, HEREDITARY SENSORY, WITH HEARING LOSS AND DEMENTIA; Hereditary sensory neuropathy type IE; HSN IE; Hereditary Sensory and Autonomic Neuropathy Type 1E (HSAN1E). Identifiers: Orphanet 456318, MedGen C3279885, MONDO:0013584, OMIM 614116.

Submission:

Labcorp Genetics (formerly Invitae), Labcorp
Classification: Uncertain significance for Hereditary sensory neuropathy-deafness-dementia syndrome. Last evaluated: 2022-11-01. Review status: criteria provided, single submitter. Criteria: Invitae Variant Classification Sherloc (09022015). Collection method: clinical testing. Allele origin: germline.
Comment: In summary, the available evidence is currently insufficient to determine the role of this variant in disease. Therefore, it has been classified as a Variant of Uncertain Significance. Advanced modeling of protein sequence and biophysical properties (such as structural, functional, and spatial information, amino acid conservation, physicochemical variation, residue mobility, and thermodynamic stability) performed at Invitae indicates that this missense variant is not expected to disrupt DNMT1 protein function. This variant has not been reported in the literature in individuals affected with DNMT1-related conditions. This variant is not present in population databases (gnomAD no frequency). This sequence change replaces isoleucine, which is neutral and non-polar, with methionine, which is neutral and non-polar, at codon 493 of the DNMT1 protein (p.Ile493Met).